The following is an entry in ClinVar:

NM_001365951.3(KIF1B):c.3645G>A (p.Pro1215=)

Gene: KIF1B (kinesin family member 1B; plus strand). Cytogenetic location: 1p36.22.
Variant type: single nucleotide variant.
Coding change: c.3645G>A on transcript NM_001365951.3 (MANE Select); coding-DNA position 3645, G replaced by A.
Protein change: p.Pro1215=; no amino-acid change (proline 1215 retained).
Molecular consequence: synonymous variant.
Genome position (GRCh38, 1-based): chr1:10,343,244, G>A. VCF-style: chr1-10343244-G-A. GRCh37 (hg19) VCF-style: chr1-10403302-G-A.
Other names: c.3645G>A, p.Pro1215= (NM_001365952.1); c.3507G>A, p.Pro1169= (NM_015074.3).
Identifiers: ClinVar variation 196788 (VCV000196788.56), dbSNP rs147318592, ClinGen allele CA202589.

ClinVar aggregate classification (germline): Conflicting classifications of pathogenicity. Review status: criteria provided, conflicting classifications (1 of 4 stars). 11 submissions from 11 submitters: Uncertain significance (1); Benign (3); Likely benign (5). 2 of the submissions do not count toward it. Last evaluated 2026-08-01.

Conditions:
Charcot-Marie-Tooth disease. Also called: Charcot-Marie-Tooth Hereditary Neuropathy; Charcot-Marie-Tooth Neuropathy. Identifiers: Orphanet 166, MedGen C0007959, MONDO:0015626.
Charcot-Marie-Tooth disease type 2. Also called: Charcot-Marie-Tooth type 2. Identifiers: Orphanet 64746, MedGen C0270914, MONDO:0018993.
Neuroblastoma (NB). Identifiers: Orphanet 635, MedGen C0027819, MeSH D009447, MONDO:0005072, HP:0003006.

Allele frequency attached by ClinVar (database versions not stated): 1000 Genomes Project 0.00060; 1000 Genomes Project 30x 0.00078; gnomAD 0.00092 and 0.00098; TOPMed 0.00101; ExAC 0.00115; ESP Exome Variant Server 0.00115.
gnomAD v4.1: 1,975 of 1,614,134 alleles (0.12%); highest among the groups gnomAD compares: Non-Finnish European, 0.14%; 3 homozygotes.

Submissions (11):

CeGaT Center for Human Genetics Tuebingen
Classification: Likely benign. Last evaluated: 2026-08-01. Review status: criteria provided, single submitter. Criteria: CeGaT Center For Human Genetics Tuebingen Variant Classification Criteria Version 2. Collection method: clinical testing. Allele origin: germline. Affected: yes. Observed: 33 variant alleles.
Comment: KIF1B: BP4, BP7

Labcorp Genetics (formerly Invitae), Labcorp
Classification: Benign for Charcot-Marie-Tooth disease type 2. Last evaluated: 2026-01-31. Review status: criteria provided, single submitter. Criteria: Invitae Variant Classification Sherloc (09022015). Collection method: clinical testing. Allele origin: germline.

Blueprint Genetics
Classification: Likely benign. Last evaluated: 2024-11-20. Review status: criteria provided, single submitter. Criteria: ACMG Guidelines, 2015. Collection method: clinical testing. Allele origin: germline.

ARUP Laboratories, Molecular Genetics and Genomics, ARUP Laboratories
Classification: Benign. Last evaluated: 2022-01-21. Review status: criteria provided, single submitter. Criteria: ARUP Molecular Germline Variant Investigation Process 2021. Collection method: clinical testing. Allele origin: germline.

Institute for Clinical Genetics, University Hospital TU Dresden, University Hospital TU Dresden
Classification: Uncertain significance. Last evaluated: 2021-11-03. Review status: criteria provided, single submitter. Criteria: ACMG Guidelines, 2015. Collection method: clinical testing. Allele origin: germline.

Ambry Genetics
Classification: Likely benign. Last evaluated: 2020-08-04. Review status: criteria provided, single submitter. Criteria: Ambry Variant Classification Scheme 2023. Collection method: clinical testing. Allele origin: germline.

Illumina Laboratory Services, Illumina
Classification: Likely benign for Neuroblastoma. Last evaluated: 2018-01-12. Review status: criteria provided, single submitter. Criteria: ICSL Variant Classification Criteria 13 December 2019. Collection method: clinical testing. Allele origin: germline.
Comment: This variant was observed in the ICSL laboratory as part of a predisposition screen in an ostensibly healthy population. It had not been previously curated by ICSL or reported in the Human Gene Mutation Database (HGMD: prior to June 1st, 2018), and was therefore a candidate for classification through an automated scoring system. Utilizing variant allele frequency, disease prevalence and penetrance estimates, and inheritance mode, an automated score was calculated to assess if this variant is too frequent to cause the disease. Based on the score and internal cut-off values, a variant classified as likely benign is not then subjected to further curation. The score for this variant resulted in a classification of likely benign for this disease.

Eurofins Ntd Llc (ga)
Classification: Likely benign. Last evaluated: 2015-04-21. Review status: criteria provided, single submitter. Criteria: EGL Classification Definitions 2015. Collection method: clinical testing. Allele origin: germline. Observed: 1 variant allele, 1 heterozygote.

Molecular Genetics Laboratory, London Health Sciences Centre
Classification: Benign for Charcot-Marie-Tooth disease. Review status: criteria provided, single submitter. Criteria: ACMG Guidelines, 2015. Collection method: clinical testing. Allele origin: germline. Affected: yes.

Clinical Genetics, Academic Medical Center
Classification: Benign. Review status: no assertion criteria provided. Collection method: clinical testing. Allele origin: germline. Affected: yes. Study: VKGL Data-share Consensus. Not counted in ClinVar's aggregate classification.

Genome Diagnostics Laboratory, University Medical Center Utrecht
Classification: Likely benign. Review status: no assertion criteria provided. Collection method: clinical testing. Allele origin: germline. Affected: yes. Study: VKGL Data-share Consensus. Not counted in ClinVar's aggregate classification.